The following is an entry in ClinVar:

NM_138413.4(HOGA1):c.823C>A (p.Pro275Thr)

Gene: HOGA1 (4-hydroxy-2-oxoglutarate aldolase 1; plus strand). Cytogenetic location: 10q24.2.
Variant type: single nucleotide variant.
Coding change: c.823C>A on transcript NM_138413.4 (MANE Select); coding-DNA position 823, C replaced by A.
Protein change: p.Pro275Thr; replaces proline 275 with threonine.
Molecular consequence: missense variant.
Genome position (GRCh38, 1-based): chr10:97,601,979, C>A. VCF-style: chr10-97601979-C-A. GRCh37 (hg19) VCF-style: chr10-99361736-C-A.
Other names: c.334C>A, p.Pro112Thr (NM_001134670.2); short protein forms P112T, P275T.
Identifiers: ClinVar variation 1052292 (VCV001052292.9), dbSNP rs1488330134, ClinGen allele CA377981795.

ClinVar aggregate classification (germline): Uncertain significance (1 of 4 stars; one submission).

Allele frequency attached by ClinVar (database versions not stated): gnomAD exomes below 0.00001.
gnomAD v4.1: 2 of 1,612,146 alleles (0.00012%); highest among the groups gnomAD compares: Non-Finnish European, 0.00017%; no homozygotes.

Submission:

Labcorp Genetics (formerly Invitae), Labcorp
Classification: Uncertain significance. Last evaluated: 2021-04-23. Review status: criteria provided, single submitter. Criteria: Invitae Variant Classification Sherloc (09022015). Collection method: clinical testing. Allele origin: germline.
Comment: In summary, the available evidence is currently insufficient to determine the role of this variant in disease. Therefore, it has been classified as a Variant of Uncertain Significance. Advanced modeling of protein sequence and biophysical properties (such as structural, functional, and spatial information, amino acid conservation, physicochemical variation, residue mobility, and thermodynamic stability) performed at Invitae indicates that this missense variant is expected to disrupt HOGA1 protein function. This variant has not been reported in the literature in individuals with HOGA1-related conditions. ClinVar contains an entry for this variant (Variation ID: 1052292). This variant is not present in population databases (ExAC no frequency). This sequence change replaces proline with threonine at codon 275 of the HOGA1 protein (p.Pro275Thr). The proline residue is highly conserved and there is a small physicochemical difference between proline and threonine.